The following is an entry in ClinVar:

ClinVar aggregate classification (germline): Uncertain significance (1 of 4 stars; one submission).

Conditions:
RASopathy. Also called: rasopathies; Noonan spectrum disorder. Identifiers: Orphanet 536391, MedGen C5555857, MONDO:0021060.

Submission:

Labcorp Genetics (formerly Invitae), Labcorp
Classification: Uncertain significance for RASopathy. Last evaluated: 2022-02-21. Review status: criteria provided, single submitter. Criteria: Invitae Variant Classification Sherloc (09022015). Collection method: clinical testing. Allele origin: germline.
Comment: This sequence change replaces glutamine, which is neutral and polar, with arginine, which is basic and polar, at codon 335 of the MAP2K1 protein (p.Gln335Arg). In summary, the available evidence is currently insufficient to determine the role of this variant in disease. Therefore, it has been classified as a Variant of Uncertain Significance. Advanced modeling of protein sequence and biophysical properties (such as structural, functional, and spatial information, amino acid conservation, physicochemical variation, residue mobility, and thermodynamic stability) performed at Invitae indicates that this missense variant is not expected to disrupt MAP2K1 protein function. This variant has not been reported in the literature in individuals affected with MAP2K1-related conditions. This variant is not present in population databases (gnomAD no frequency).

NM_002755.4(MAP2K1):c.1004A>G (p.Gln335Arg)

Gene: MAP2K1 (mitogen-activated protein kinase kinase 1; plus strand). Cytogenetic location: 15q22.31.
Variant type: single nucleotide variant.
Coding change: c.1004A>G on transcript NM_002755.4 (MANE Select); coding-DNA position 1004, A replaced by G.
Protein change: p.Gln335Arg; replaces glutamine 335 with arginine.
Molecular consequence: missense variant.
Genome position (GRCh38, 1-based): chr15:66,489,258, A>G. VCF-style: chr15-66489258-A-G. GRCh37 (hg19) VCF-style: chr15-66781596-A-G.
Other names: short protein forms Q335R.
Identifiers: ClinVar variation 1462176 (VCV001462176.8), dbSNP rs2140683019, ClinGen allele CA392938300.